The following is an entry in ClinVar:

NM_000191.3(HMGCL):c.528T>C (p.Tyr176=)

Gene: HMGCL (3-hydroxy-3-methylglutaryl-CoA lyase; minus strand). Cytogenetic location: 1p36.11.
Variant type: single nucleotide variant.
Coding change: c.528T>C on transcript NM_000191.3 (MANE Select); coding-DNA position 528, T replaced by C.
Protein change: p.Tyr176=; no amino-acid change (tyrosine 176 retained).
Molecular consequence: synonymous variant. On other transcripts: intron variant (1).
Genome position (GRCh38, 1-based): chr1:23,810,769, A>G on the plus strand (T>C on the coding strand, the complement: HMGCL is on the minus strand). VCF-style: chr1-23810769-A-G. GRCh37 (hg19) VCF-style: chr1-24137259-A-G.
Other names: c.349-2446T>C (NM_001166059.2).
Identifiers: ClinVar variation 703347 (VCV000703347.17), dbSNP rs112508527, ClinGen allele CA686062.
Genomic context (GRCh38, chr1:23,810,769, plus strand): 5'-ACCCCCCGCCCTGACACATGCACACACCTCAGCTACTTTAGCTGGGGAGATCTTCCCTTC[A>G]TAAGGGCAGCCAAGAGCACAGGAGACGTACCTGTGGGAAGACAGGGGAGGAATGAGGTCA-3'
Protein context (NP_000182.2, residues 166-186): GYVSCALGCP[Tyr176=]EGKISPAKVA

ClinVar aggregate classification (germline): Likely benign. Review status: criteria provided, multiple submitters, no conflicts (2 of 4 stars). 5 submissions from 5 submitters: Likely benign (3). 2 of the submissions do not count toward it. Last evaluated 2025-08-26.

Conditions:
HMGCL-related disorder. Also called: HMGCL-related condition.
Deficiency of hydroxymethylglutaryl-CoA lyase (HMGCLD). Also called: HMGCL DEFICIENCY; HYDROXYMETHYLGLUTARIC ACIDURIA; Defect in leucine metabolism; 3-hydroxy-3-methylglutaric aciduria; HMG-CoA LYASE DEFICIENCY. Identifiers: Orphanet 20, MedGen C1533587, MONDO:0009520, OMIM 246450.

Allele frequency attached by ClinVar (database versions not stated): TOPMed 0.00002; ESP Exome Variant Server 0.00023; 1000 Genomes Project 30x 0.00031; 1000 Genomes Project 0.00040.
gnomAD v4.1: 141 of 1,614,044 alleles (0.0087%); highest among the groups gnomAD compares: Middle Eastern, 0.099%; 3 homozygotes.

Submissions (5):

Labcorp Genetics (formerly Invitae), Labcorp
Classification: Likely benign for Deficiency of hydroxymethylglutaryl-CoA lyase. Last evaluated: 2025-08-26. Review status: criteria provided, single submitter. Criteria: Invitae Variant Classification Sherloc (09022015). Collection method: clinical testing. Allele origin: germline.

Blueprint Genetics
Classification: Likely benign. Last evaluated: 2024-02-02. Review status: criteria provided, single submitter. Criteria: ACMG Guidelines, 2015. Collection method: clinical testing. Allele origin: germline.

Breakthrough Genomics
Classification: Likely benign. Review status: criteria provided, single submitter. Criteria: ACMG Guidelines, 2015. Collection method: not provided. Allele origin: germline. Inheritance: Autosomal recessive inheritance. Affected: yes.

Natera, Inc.
Classification: Uncertain significance for HMG-CoA lyase deficiency. Last evaluated: 2020-08-25. Review status: no assertion criteria provided. Collection method: clinical testing. Allele origin: germline. Not counted in ClinVar's aggregate classification.

PreventionGenetics, part of Exact Sciences
Classification: Likely benign for HMGCL-related condition. Last evaluated: 2019-04-12. Review status: no assertion criteria provided. Collection method: clinical testing. Allele origin: germline. Not counted in ClinVar's aggregate classification.
Comment: This variant is classified as likely benign based on ACMG/AMP sequence variant interpretation guidelines (Richards et al. 2015 PMID: 25741868, with internal and published modifications).